The following is an entry in ClinVar:

NM_005477.3(HCN4):c.3375C>T (p.Gly1125=)

Gene: HCN4 (hyperpolarization activated cyclic nucleotide gated potassium channel 4; minus strand). Cytogenetic location: 15q24.1.
Variant type: single nucleotide variant.
Coding change: c.3375C>T on transcript NM_005477.3 (MANE Select); coding-DNA position 3375, C replaced by T.
Protein change: p.Gly1125=; no amino-acid change (glycine 1125 retained).
Molecular consequence: synonymous variant.
Genome position (GRCh38, 1-based): chr15:73,322,718, G>A on the plus strand (C>T on the coding strand, the complement: HCN4 is on the minus strand). VCF-style: chr15-73322718-G-A. GRCh37 (hg19) VCF-style: chr15-73615059-G-A.
Identifiers: ClinVar variation 4820537 (VCV004820537.1).

ClinVar aggregate classification (germline): Likely benign (1 of 4 stars; one submission).

gnomAD v4.1: 1 of 1,564,408 alleles (0.000064%); highest among the groups gnomAD compares: Non-Finnish European, 0.000087%; no homozygotes.

Submission:

Molecular Diagnostic Laboratory for Inherited Cardiovascular Disease, Montreal Heart Institute
Classification: Likely benign. Last evaluated: 2026-03-27. Review status: criteria provided, single submitter. Criteria: ACMG Guidelines, 2015. Collection method: clinical testing. Allele origin: germline. Affected: no.
Comment: BP7